The following is an entry in ClinVar:

ClinVar aggregate classification (germline): Conflicting classifications of pathogenicity. Review status: criteria provided, conflicting classifications (1 of 4 stars). 3 submissions from 3 submitters: Pathogenic (1); Uncertain significance (1). 1 of the submissions does not count toward it. Last evaluated 2025-05-30.

Conditions:
Obesity. Also called: Obesity disorder. Identifiers: Orphanet 71529, MedGen C0028754, MeSH D009765, MONDO:0011122, HP:0001513.

Allele frequency attached by ClinVar (database versions not stated): ExAC 0.00001; gnomAD exomes 0.00001 and 0.00002; gnomAD 0.00002.
gnomAD v4.1: 14 of 1,613,670 alleles (0.00087%); highest among the groups gnomAD compares: Admixed American, 0.01%; no homozygotes.

Submissions (3):

Labcorp Genetics (formerly Invitae), Labcorp
Classification: Pathogenic. Last evaluated: 2025-05-30. Review status: criteria provided, single submitter. Criteria: Invitae Variant Classification Sherloc (09022015). Collection method: clinical testing. Allele origin: germline.
Comment: This sequence change creates a premature translational stop signal (p.Lys10*) in the DNM1L gene. It is expected to result in an absent or disrupted protein product. Loss-of-function variants in DNM1L are known to be pathogenic (PMID: 26825290, 27328748). This variant is present in population databases (rs745921568, gnomAD 0.009%). This variant has not been reported in the literature in individuals affected with DNM1L-related conditions. ClinVar contains an entry for this variant (Variation ID: 631530). Algorithms developed to predict the effect of sequence changes on RNA splicing suggest that this variant may create or strengthen a splice site. For these reasons, this variant has been classified as Pathogenic.

GeneDx
Classification: Uncertain significance. Last evaluated: 2018-12-31. Review status: criteria provided, single submitter. Criteria: GeneDx Variant Classification Process June 2021. Collection method: clinical testing. Allele origin: germline. Affected: yes.
Comment: This variant is associated with the following publications: (PMID: 31506345)

Dash Lab, University Health Network
Classification: Likely pathogenic for Obesity. Last evaluated: 2018-12-01. Review status: no assertion criteria provided. Collection method: research. Allele origin: germline. Affected: yes. Not counted in ClinVar's aggregate classification.
Comment: Obesity with no other associated features

Literature cited by the submitters: PubMed 26825290 (cited by Labcorp Genetics (formerly Invitae), Labcorp); PubMed 27328748 (cited by Labcorp Genetics (formerly Invitae), Labcorp).

NM_012062.5(DNM1L):c.28A>T (p.Lys10Ter)

Gene: DNM1L (dynamin 1L; plus strand). Cytogenetic location: 12p11.21.
Variant type: single nucleotide variant.
Coding change: c.28A>T on transcript NM_012062.5 (MANE Select); coding-DNA position 28, A replaced by T.
Protein change: p.Lys10Ter; replaces lysine 10 with a stop codon.
Molecular consequence: nonsense. On other transcripts: 5 prime UTR variant (1).
Genome position (GRCh38, 1-based): chr12:32,679,391, A>T. VCF-style: chr12-32679391-A-T. GRCh37 (hg19) VCF-style: chr12-32832325-A-T.
Other names: c.28A>T, p.Lys10Ter (NM_001278463.2, NM_001278464.2, NM_001278465.2 and 3 more transcripts); c.-178A>T (NM_001278466.2); c.28A>T (NM_012062.3); short protein forms K10*.
Identifiers: ClinVar variation 631530 (VCV000631530.10), dbSNP rs745921568, ClinGen allele CA6507215.
Genomic context (GRCh38, chr12:32,679,391, plus strand): 5'-CGGCGGGCACTGGGGCCCCGTGTTTTCAGAGTCATGGAGGCGCTAATTCCTGTCATAAAC[A>T]AGCTCCAGGACGTCTTCAACACGGTGGGCGCCGACATCATCCAGCTGCCTCAAATCGTCG-3'